The following is an entry in ClinVar:

ClinVar aggregate classification (germline): Uncertain significance (1 of 4 stars; one submission).

Allele frequency attached by ClinVar (database versions not stated): gnomAD exomes below 0.00001; TOPMed 0.00002.
gnomAD v4.1: 1 of 1,611,964 alleles (0.000062%); highest among the groups gnomAD compares: Admixed American, 0.0017%; no homozygotes.

Submission:

Labcorp Genetics (formerly Invitae), Labcorp
Classification: Uncertain significance. Last evaluated: 2019-10-04. Review status: criteria provided, single submitter. Criteria: Invitae Variant Classification Sherloc (09022015). Collection method: clinical testing. Allele origin: germline.
Comment: This sequence change replaces valine with alanine at codon 1164 of the TUBGCP6 protein (p.Val1164Ala). The valine residue is weakly conserved and there is a small physicochemical difference between valine and alanine. This variant is not present in population databases (ExAC no frequency). This variant has not been reported in the literature in individuals with TUBGCP6-related conditions. Algorithms developed to predict the effect of missense changes on protein structure and function are either unavailable or do not agree on the potential impact of this missense change (SIFT: "Not Available"; PolyPhen-2: "Not Available"; Align-GVGD: "Class C0"). In summary, the available evidence is currently insufficient to determine the role of this variant in disease. Therefore, it has been classified as a Variant of Uncertain Significance.

NM_020461.4(TUBGCP6):c.3491T>C (p.Val1164Ala)

Gene: TUBGCP6 (tubulin gamma complex component 6; minus strand). Cytogenetic location: 22q13.33.
Variant type: single nucleotide variant.
Coding change: c.3491T>C on transcript NM_020461.4 (MANE Select); coding-DNA position 3491, T replaced by C.
Protein change: p.Val1164Ala; replaces valine 1164 with alanine.
Molecular consequence: missense variant.
Genome position (GRCh38, 1-based): chr22:50,220,868, A>G on the plus strand (T>C on the coding strand, the complement: TUBGCP6 is on the minus strand). VCF-style: chr22-50220868-A-G. GRCh37 (hg19) VCF-style: chr22-50659297-A-G.
Other names: short protein forms V1164A.
Identifiers: ClinVar variation 967130 (VCV000967130.7), dbSNP rs1461782452, ClinGen allele CA412182132.
Genomic context (GRCh38, chr22:50,220,868, plus strand): 5'-CGTGGCCGGGCGGGAGCCATGTCTGACACAGACTCCCCCAAGCTGATGCTGGCATCGGAC[A>G]CGTGTCCATGGGTGTTCCACCGTGGCCGGGTGGGAGCCACGTCCGACACGTTCTCCCCAA-3'
Protein context (NP_065194.3, residues 1154-1174): TRPRWNTHGH[Val1164Ala]SDASISLGES